The following is an entry in ClinVar:

NM_006231.4(POLE):c.544C>T (p.His182Tyr)

Gene: POLE (DNA polymerase epsilon, catalytic subunit; minus strand). Cytogenetic location: 12q24.33.
Variant type: single nucleotide variant.
Coding change: c.544C>T on transcript NM_006231.4 (MANE Select); coding-DNA position 544, C replaced by T.
Protein change: p.His182Tyr; replaces histidine 182 with tyrosine.
Molecular consequence: missense variant.
Genome position (GRCh38, 1-based): chr12:132,679,531, G>A on the plus strand (C>T on the coding strand, the complement: POLE is on the minus strand). VCF-style: chr12-132679531-G-A. GRCh37 (hg19) VCF-style: chr12-133256117-G-A.
Other names: c.544C>T (NM_006231.2); short protein forms H182Y.
Identifiers: ClinVar variation 852692 (VCV000852692.10), dbSNP rs1593085013, ClinGen allele CA387366842.

ClinVar aggregate classification (germline): Uncertain significance. Review status: criteria provided, multiple submitters, no conflicts (2 of 4 stars). 2 submissions from 2 submitters: Uncertain significance (2). Last evaluated 2023-11-09.

Conditions:
Hereditary cancer-predisposing syndrome. Also called: Neoplastic Syndromes, Hereditary; Hereditary Cancer Syndrome; Tumor predisposition; Hereditary neoplastic syndrome. Identifiers: Orphanet 140162, MedGen C0027672, MeSH D009386, MONDO:0015356.

Submissions (2):

Labcorp Genetics (formerly Invitae), Labcorp
Classification: Uncertain significance. Last evaluated: 2023-11-09. Review status: criteria provided, single submitter. Criteria: Invitae Variant Classification Sherloc (09022015). Collection method: clinical testing. Allele origin: germline.
Comment: This sequence change replaces histidine, which is basic and polar, with tyrosine, which is neutral and polar, at codon 182 of the POLE protein (p.His182Tyr). This variant is not present in population databases (gnomAD no frequency). This variant has not been reported in the literature in individuals affected with POLE-related conditions. ClinVar contains an entry for this variant (Variation ID: 852692). Advanced modeling of protein sequence and biophysical properties (such as structural, functional, and spatial information, amino acid conservation, physicochemical variation, residue mobility, and thermodynamic stability) performed at Invitae indicates that this missense variant is not expected to disrupt POLE protein function with a negative predictive value of 80%. In summary, the available evidence is currently insufficient to determine the role of this variant in disease. Therefore, it has been classified as a Variant of Uncertain Significance.

Ambry Genetics
Classification: Uncertain significance for Hereditary cancer-predisposing syndrome. Last evaluated: 2023-10-21. Review status: criteria provided, single submitter. Criteria: Ambry Variant Classification Scheme 2023. Collection method: clinical testing. Allele origin: germline.
Comment: The p.H182Y variant (also known as c.544C>T), located in coding exon 6 of the POLE gene, results from a C to T substitution at nucleotide position 544. The histidine at codon 182 is replaced by tyrosine, an amino acid with similar properties. This amino acid position is conserved. In addition, this alteration is predicted to be tolerated by in silico analysis. Since supporting evidence is limited at this time, the clinical significance of this alteration remains unclear.